The following is an entry in ClinVar:

NM_000059.4(BRCA2):c.8873dup (p.Glu2959fs)

Gene: BRCA2 (BRCA2 DNA repair associated; plus strand). Cytogenetic location: 13q13.1.
Variant type: Duplication.
Coding change: c.8873dup on transcript NM_000059.4 (MANE Select); coding-DNA position 8873, one base duplicated (A; older notation c.8873dupA).
Protein change: p.Glu2959fs; shifts the reading frame from glutamic acid 2959.
Molecular consequence: frameshift variant.
Genome position (GRCh38, 1-based): chr13:32,379,435, A duplicated; the last of 4 consecutive A bases (chr13:32,379,432-32,379,435); duplicating any one gives the same sequence. VCF-style (leftmost placement, unchanged base first): chr13-32379431-C-CA. GRCh37 (hg19) VCF-style: chr13-32953568-C-CA.
Other names: c.8873dupA (NM_000059.3); short protein forms E2959fs.
Identifiers: ClinVar variation 926374 (VCV000926374.6), dbSNP rs1593936782, ClinGen allele CA1139663191.
Genomic context (GRCh38, chr13:32,379,431, plus strand): 5'-AATGATAAGAAACAAGCTCAGATCCAGTTGGAAATTAGGAAGGCCATGGAATCTGCTGAA[C>CA]AAAAGGAACAAGGTTTATCAAGGGATGTCACAACCGTGTGGAAGTTGCGTATTGTAAGCT-3'

ClinVar aggregate classification (germline): Pathogenic. Review status: criteria provided, multiple submitters, no conflicts (2 of 4 stars). 2 submissions from 2 submitters: Pathogenic (2). Last evaluated 2024-06-06.

Conditions:
Hereditary cancer-predisposing syndrome. Also called: Neoplastic Syndromes, Hereditary; Tumor predisposition; Hereditary Cancer Syndrome; Hereditary neoplastic syndrome. Identifiers: Orphanet 140162, MedGen C0027672, MeSH D009386, MONDO:0015356.

Submissions (2):

Ambry Genetics
Classification: Pathogenic for Hereditary cancer-predisposing syndrome. Last evaluated: 2024-06-06. Review status: criteria provided, single submitter. Criteria: Ambry Variant Classification Scheme 2023. Collection method: clinical testing. Allele origin: germline.
Comment: The c.8873dupA pathogenic mutation, located in coding exon 21 of the BRCA2 gene, results from a duplication of A at nucleotide position 8873, causing a translational frameshift with a predicted alternate stop codon (p.E2959Gfs*59). This variant is considered to be rare based on population cohorts in the Genome Aggregation Database (gnomAD). This alteration is expected to result in loss of function by premature protein truncation or nonsense-mediated mRNA decay. As such, this alteration is interpreted as a disease-causing mutation.

Color Diagnostics, LLC DBA Color Health
Classification: Pathogenic for Hereditary cancer-predisposing syndrome. Last evaluated: 2020-01-03. Review status: criteria provided, single submitter. Criteria: ACMG Guidelines, 2015. Collection method: clinical testing. Allele origin: germline.
Comment: This variant inserts 1 nucleotide in exon 22 of the BRCA2 gene, creating a frameshift and premature translation stop signal. This variant is expected to result in an absent or non-functional protein product. Splice site prediction tools suggest that this variant may not impact RNA splicing. To our knowledge, functional studies have not been performed for this variant. This variant has not been reported in individuals affected with hereditary cancer in the literature. This variant has not been identified in the general population by the Genome Aggregation Database (gnomAD). Loss of BRCA2 function is a known mechanism of disease. Based on the available evidence, this variant is classified as Pathogenic.